The following is an entry in ClinVar:

ClinVar aggregate classification (germline): Uncertain significance (1 of 4 stars; one submission).

Allele frequency attached by ClinVar (database versions not stated): gnomAD exomes below 0.00001.

Submission:

GeneDx
Classification: Uncertain significance. Last evaluated: 2020-02-04. Review status: criteria provided, single submitter. Criteria: GeneDx Variant Classification Process June 2021. Collection method: clinical testing. Allele origin: germline. Affected: yes.
Comment: Not observed in large population cohorts (Lek et al., 2016); In silico analysis supports that this missense variant does not alter protein structure/function; Has not been previously published as pathogenic or benign to our knowledge

NM_001931.5(DLAT):c.83T>C (p.Val28Ala)

Gene: DLAT (dihydrolipoamide S-acetyltransferase; plus strand). Cytogenetic location: 11q23.1.
Variant type: single nucleotide variant.
Coding change: c.83T>C on transcript NM_001931.5 (MANE Select); coding-DNA position 83, T replaced by C.
Protein change: p.Val28Ala; replaces valine 28 with alanine.
Molecular consequence: missense variant. On other transcripts: synonymous variant (2), 5 prime UTR variant (1), non-coding transcript variant (1).
Genome position (GRCh38, 1-based): chr11:112,025,555, T>C. VCF-style: chr11-112025555-T-C. GRCh37 (hg19) VCF-style: chr11-111896279-T-C.
Other names: c.83T>C, p.Val28Ala (NM_001372031.1, NM_001372032.1, NM_001372033.1 and 6 more transcripts); c.42T>C, p.Gly14= (NM_001372036.1, NM_001372037.1); c.-384T>C (NM_001372042.1); short protein forms V28A.
Identifiers: ClinVar variation 1315151 (VCV001315151.2), dbSNP rs1316678815, ClinGen allele CA382594990.